The following is an entry in ClinVar:

NM_000313.4(PROS1):c.1856T>C (p.Leu619Pro)

Gene: PROS1 (protein S; minus strand). Cytogenetic location: 3q11.1.
Variant type: single nucleotide variant.
Coding change: c.1856T>C on transcript NM_000313.4 (MANE Select); coding-DNA position 1856, T replaced by C.
Protein change: p.Leu619Pro; replaces leucine 619 with proline.
Molecular consequence: missense variant.
Genome position (GRCh38, 1-based): chr3:93,876,980, A>G on the plus strand (T>C on the coding strand, the complement: PROS1 is on the minus strand). VCF-style: chr3-93876980-A-G. GRCh37 (hg19) VCF-style: chr3-93595824-A-G.
Other names: c.1952T>C, p.Leu651Pro (NM_001314077.2); short protein forms L619P, L651P.
Identifiers: ClinVar variation 1719598 (VCV001719598.5), dbSNP rs2472104168, ClinGen allele CA353670841.
Genomic context (GRCh38, chr3:93,876,980, plus strand): 5'-TGATTAAAATATACTTTTTAAAACTGAAGAAAAAGTAAGCAGATACCTGGAAGGCCACCC[A>G]GGTATGTGGCCACTTTTGCTTTCATTGCTTTGTCCAAGACGGCAAGTTGTCTTTGAAGGT-3'
Protein context (NP_000304.2, residues 609-629): KAMKAKVATY[Leu619Pro]GGLPDVPFSA

ClinVar aggregate classification (germline): Uncertain significance (1 of 4 stars; one submission).

Conditions:
Thrombophilia due to protein S deficiency, autosomal recessive (THPH6). Identifiers: Orphanet 743, MedGen C3281092, MONDO:0013791, OMIM 614514. Disease mechanism: loss of function.

Submission:

Labcorp Genetics (formerly Invitae), Labcorp
Classification: Uncertain significance for Thrombophilia due to protein S deficiency, autosomal recessive. Last evaluated: 2024-09-27. Review status: criteria provided, single submitter. Criteria: Invitae Variant Classification Sherloc (09022015). Collection method: clinical testing. Allele origin: germline.
Comment: This sequence change replaces leucine, which is neutral and non-polar, with proline, which is neutral and non-polar, at codon 619 of the PROS1 protein (p.Leu619Pro). This variant is not present in population databases (gnomAD no frequency). This variant has not been reported in the literature in individuals affected with PROS1-related conditions. ClinVar contains an entry for this variant (Variation ID: 1719598). Invitae Evidence Modeling of protein sequence and biophysical properties (such as structural, functional, and spatial information, amino acid conservation, physicochemical variation, residue mobility, and thermodynamic stability) has been performed for this missense variant. However, the output from this modeling did not meet the statistical confidence thresholds required to predict the impact of this variant on PROS1 protein function. In summary, the available evidence is currently insufficient to determine the role of this variant in disease. Therefore, it has been classified as a Variant of Uncertain Significance.